The following is an entry in ClinVar:

NM_007294.4(BRCA1):c.5542C>A (p.Gln1848Lys)

Gene: BRCA1 (BRCA1 DNA repair associated; minus strand). Cytogenetic location: 17q21.31.
Variant type: single nucleotide variant.
Coding change: c.5542C>A on transcript NM_007294.4 (MANE Select); coding-DNA position 5542, C replaced by A.
Protein change: p.Gln1848Lys; replaces glutamine 1848 with lysine.
Molecular consequence: missense variant. On other transcripts: 3 prime UTR variant (1), non-coding transcript variant (1).
Genome position (GRCh38, 1-based): chr17:43,045,728, G>T on the plus strand (C>A on the coding strand, the complement: BRCA1 is on the minus strand). VCF-style: chr17-43045728-G-T. GRCh37 (hg19) VCF-style: chr17-41197745-G-T.
Other names: c.5395C>A, p.Gln1799Lys (NM_001407844.1, NM_001407845.1, NM_001407846.1 and 12 more transcripts); c.5329C>A, p.Gln1777Lys (NM_001407909.1, NM_001407910.1, NM_001407571.1 and 12 more transcripts); c.5326C>A, p.Gln1776Lys (NM_001407915.1, NM_001407916.1, NM_001407917.1 and 1 more transcripts); c.5290C>A, p.Gln1764Lys (NM_001407919.1); c.5278C>A, p.Gln1760Lys (NM_001407920.1, NM_001407921.1, NM_001407922.1 and 4 more transcripts); c.5275C>A, p.Gln1759Lys (NM_001407932.1, NM_001407933.1, NM_001407927.1 and 4 more transcripts); c.5272C>A, p.Gln1758Lys (NM_001407934.1, NM_001407935.1, NM_001407936.1); c.*56C>A (NM_001407937.1, NM_001407938.1, NM_001407939.1 and 14 more transcripts); and 74 more; short protein forms Q1848K, Q1801K, Q1869K, Q744K, Q1759K, Q1779K, Q1780K, Q1799K.
Identifiers: ClinVar variation 868638 (VCV000868638.3), dbSNP rs886040303, ClinGen allele CA10590240.
Genomic context (GRCh38, chr17:43,045,728, plus strand): 5'-CTGGCTGCAGTCAGTAGTGGCTGTGGGGGATCTGGGGTATCAGGTAGGTGTCCAGCTCCT[G>T]GCACTGGTAGAGTGCTACACTGTCCAACACCCACTCTCGGGTCACCACAGGTGCCTCACA-3'
Protein context (NP_009225.1, residues 1838-1858): VLDSVALYQC[Gln1848Lys]ELDTYLIPQI

Conditions:
Breast-ovarian cancer, familial, susceptibility to, 1 (BROVCA1). Also called: BRCA1 Hereditary Breast and Ovarian Cancer; OVARIAN CANCER, SUSCEPTIBILITY TO. Identifiers: Orphanet 145, MedGen C2676676, MONDO:0011450, OMIM 604370. Disease mechanism: loss of function.

Submission:

Brotman Baty Institute, University of Washington
No classification provided (evidence only). Condition: Breast-ovarian cancer, familial 1. Review status: no classification provided. Collection method: in vitro. Allele origin: not applicable. Functional consequence: functionally_normal.
ClinVar note: "not provided" was previously submitted as the classification for the variant. However, the classification appeared to be based only on an observation of functional data so it was converted to no classification on 2025-07-30.